The following is an entry in ClinVar:

NM_018979.4(WNK1):c.1585G>A (p.Glu529Lys)

Gene: WNK1 (WNK lysine deficient protein kinase 1; plus strand). Cytogenetic location: 12p13.33.
Variant type: single nucleotide variant.
Coding change: c.1585G>A on transcript NM_018979.4 (MANE Select); coding-DNA position 1585, G replaced by A.
Protein change: p.Glu529Lys; replaces glutamic acid 529 with lysine.
Molecular consequence: missense variant.
Genome position (GRCh38, 1-based): chr12:859,429, G>A. VCF-style: chr12-859429-G-A. GRCh37 (hg19) VCF-style: chr12-968595-G-A.
Other names: c.1585G>A, p.Glu529Lys (NM_001184985.2, NM_014823.3, NM_213655.5); short protein forms E529K.
Identifiers: ClinVar variation 2947653 (VCV002947653.3), dbSNP rs2548628796, ClinGen allele CA383334227.
Genomic context (GRCh38, chr12:859,429, plus strand): 5'-ATTAAGAAATTAAAGGGAAAATACAAAGATAATGAAGCTATTGAGTTTTCTTTTGATTTA[G>A]AGAGAGATGTCCCAGAAGATGTTGCACAAGAAATGGTAAATTGACATTAGCCATTTTAAA-3'
Protein context (NP_061852.3, residues 519-539): NEAIEFSFDL[Glu529Lys]RDVPEDVAQE

ClinVar aggregate classification (germline): Uncertain significance (1 of 4 stars; one submission).

Conditions:
Neuropathy, hereditary sensory and autonomic, type 2A (HSAN2A). Also called: ACROOSTEOLYSIS, GIACCAI TYPE; ACROOSTEOLYSIS, NEUROGENIC; MORVAN DISEASE; NEUROPATHY, CONGENITAL SENSORY; NEUROPATHY, HEREDITARY SENSORY RADICULAR, AUTOSOMAL RECESSIVE; NEUROPATHY, HEREDITARY SENSORY, TYPE IIA. Identifiers: Orphanet 970, MedGen C2752089, MONDO:0024309, OMIM 201300.
Pseudohypoaldosteronism type 2C (PHA2C). Also called: Pseudohypoaldosteronism Type IIC. Identifiers: Orphanet 757, Orphanet 88940, MedGen C1840391, MONDO:0013778, OMIM 614492.

Submission:

Labcorp Genetics (formerly Invitae), Labcorp
Classification: Uncertain significance for Neuropathy, hereditary sensory and autonomic, type 2A; Pseudohypoaldosteronism type 2C. Last evaluated: 2023-05-11. Review status: criteria provided, single submitter. Criteria: Invitae Variant Classification Sherloc (09022015). Collection method: clinical testing. Allele origin: germline.
Comment: In summary, the available evidence is currently insufficient to determine the role of this variant in disease. Therefore, it has been classified as a Variant of Uncertain Significance. Advanced modeling of protein sequence and biophysical properties (such as structural, functional, and spatial information, amino acid conservation, physicochemical variation, residue mobility, and thermodynamic stability) performed at Invitae indicates that this missense variant is not expected to disrupt WNK1 protein function. This variant has not been reported in the literature in individuals affected with WNK1-related conditions. This variant is not present in population databases (gnomAD no frequency). This sequence change replaces glutamic acid, which is acidic and polar, with lysine, which is basic and polar, at codon 529 of the WNK1 protein (p.Glu529Lys).